The following is an entry in ClinVar:

ClinVar aggregate classification (germline): Likely pathogenic (1 of 4 stars; one submission).

Conditions:
Congenital adrenal hyperplasia. Identifiers: Orphanet 418, MedGen C0001627, MONDO:0018479, HP:0008258.

Submission:

Women's Health and Genetics/Laboratory Corporation of America, LabCorp
Classification: Likely pathogenic for Congenital adrenal hyperplasia. Last evaluated: 2025-06-10. Review status: criteria provided, single submitter. Criteria: LabCorp Variant Classification Summary - May 2015. Collection method: clinical testing. Allele origin: germline.
Comment: Variant summary: CYP21A2 c.925C>T (p.Leu309Phe) results in a non-conservative amino acid change in the encoded protein sequence. Algorithms developed to predict the effect of missense changes on protein structure and function are either unavailable or do not agree on the potential impact of this missense change. The variant was absent in 246374 control chromosomes (gnomAD). c.925C>T has been observed in an individual affected with Congenital Adrenal Hyperplasia (Bararo_2012). Publications report experimental evidence evaluating an impact on protein function, finding that the variant results in <10% of normal activity (Barbaro_2012, Krone_2013). The following publications have been ascertained in the context of this evaluation (PMID: 22040027, 23337727). No submitters have cited clinical-significance assessments for this variant to ClinVar. Based on the evidence outlined above, the variant was classified as likely pathogenic.

Literature cited by the submitters: PubMed 22040027; PubMed 23337727.

NM_000500.9(CYP21A2):c.925C>T (p.Leu309Phe)

Genes: CYP21A2 (cytochrome P450 family 21 subfamily A member 2; plus strand), LOC106780800 (CYP21A2 recombination region; plus strand). Cytogenetic location: 6p21.33.
Variant type: single nucleotide variant.
Coding change: c.925C>T on transcript NM_000500.9 (MANE Select); coding-DNA position 925, C replaced by T.
Protein change: p.Leu309Phe; replaces leucine 309 with phenylalanine.
Molecular consequence: missense variant.
Genome position (GRCh38, 1-based): chr6:32,040,191, C>T. VCF-style: chr6-32040191-C-T. GRCh37 (hg19) VCF-style: chr6-32007968-C-T.
Other names: c.835C>T, p.Leu279Phe (NM_001128590.4); c.520C>T, p.Leu174Phe (NM_001368143.2, NM_001368144.2); short protein forms L174F, L279F, L309F.
Identifiers: ClinVar variation 3907234 (VCV003907234.1).